The following is an entry in ClinVar:

ClinVar aggregate classification (germline): Uncertain significance (1 of 4 stars; one submission).

Conditions:
Developmental and epileptic encephalopathy 104 (DEE104). Identifiers: MedGen C5774183, MONDO:0031021, OMIM 619970.
Neurodevelopmental disorder with epilepsy and brain atrophy (NEDEBA). Identifiers: MedGen C5774184, MONDO:0859265, OMIM 619971.

Submission:

Institute of Human Genetics, University of Goettingen
Classification: Uncertain significance for Developmental and epileptic encephalopathy 104; Neurodevelopmental disorder with epilepsy and brain atrophy. Last evaluated: 2024-10-22. Review status: criteria provided, single submitter. Criteria: ACMG Guidelines, 2015. Collection method: clinical testing. Allele origin: unknown. Observed: 1 heterozygote.
Comment: The variant c.649G>C (p.(Val217Leu)) in exon 7 of the ATP6V0A1-gene is not found in the gnomAD database, it affects a a weakly conserved nucleotide and a moderately conserved amino acid. There is a small physicochemical difference between Val and Leu. Missense variants are a known mechanism of disease based on Z-score of 4.44 (gnomAD v.4.1.0). ACMG criteria used for classification: PM2_sup, PP2

NM_001130021.3(ATP6V0A1):c.628G>C (p.Val210Leu)

Gene: ATP6V0A1 (ATPase H+ transporting V0 subunit a1; plus strand). Cytogenetic location: 17q21.2.
Variant type: single nucleotide variant.
Coding change: c.628G>C on transcript NM_001130021.3 (MANE Select); coding-DNA position 628, G replaced by C.
Protein change: p.Val210Leu; replaces valine 210 with leucine.
Molecular consequence: missense variant. On other transcripts: intron variant (2).
Genome position (GRCh38, 1-based): chr17:42,478,584, G>C. VCF-style: chr17-42478584-G-C. GRCh37 (hg19) VCF-style: chr17-40630602-G-C.
Other names: c.649G>C, p.Val217Leu (NM_001130020.3, NM_001378522.1, NM_001378523.1 and 5 more transcripts); c.628G>C, p.Val210Leu (NM_001378530.1, NM_001378533.1, NM_001378535.1 and 10 more transcripts); c.520G>C, p.Val174Leu (NM_001378536.1, NM_001378550.1, NM_001378556.1); c.499G>C, p.Val167Leu (NM_001378538.1, NM_001378540.1); c.469G>C, p.Val157Leu (NM_001378543.1); c.448G>C, p.Val150Leu (NM_001378549.1); c.424-2083G>C (NM_001378545.1, NM_001378554.1); short protein forms V150L, V167L, V210L, V217L, V157L, V174L.
Identifiers: ClinVar variation 3393484 (VCV003393484.2).